The following is an entry in ClinVar:

ClinVar aggregate classification (germline): Uncertain significance. Review status: criteria provided, multiple submitters, no conflicts (2 of 4 stars). 2 submissions from 2 submitters: Uncertain significance (2). Last evaluated 2021-11-03.

Submissions (2):

Blueprint Genetics
Classification: Uncertain significance. Last evaluated: 2021-11-03. Review status: criteria provided, single submitter. Criteria: ACMG Guidelines, 2015. Collection method: clinical testing. Allele origin: germline.

Labcorp Genetics (formerly Invitae), Labcorp
Classification: Uncertain significance. Last evaluated: 2021-08-13. Review status: criteria provided, single submitter. Criteria: Invitae Variant Classification Sherloc (09022015). Collection method: clinical testing. Allele origin: germline.
Comment: This sequence change replaces aspartic acid with tyrosine at codon 414 of the IMPG2 protein (p.Asp414Tyr). The aspartic acid residue is highly conserved and there is a large physicochemical difference between aspartic acid and tyrosine. This variant is not present in population databases (ExAC no frequency). This variant has not been reported in the literature in individuals affected with IMPG2-related conditions. Algorithms developed to predict the effect of missense changes on protein structure and function are either unavailable or do not agree on the potential impact of this missense change (SIFT: "Deleterious"; PolyPhen-2: "Probably Damaging"; Align-GVGD: "Class C15"). Algorithms developed to predict the effect of sequence changes on RNA splicing suggest that this variant may disrupt the consensus splice site. In summary, the available evidence is currently insufficient to determine the role of this variant in disease. Therefore, it has been classified as a Variant of Uncertain Significance.

NM_016247.4(IMPG2):c.1240G>T (p.Asp414Tyr)

Gene: IMPG2 (interphotoreceptor matrix proteoglycan 2; minus strand). Cytogenetic location: 3q12.3.
Variant type: single nucleotide variant.
Coding change: c.1240G>T on transcript NM_016247.4 (MANE Select); coding-DNA position 1240, G replaced by T.
Protein change: p.Asp414Tyr; replaces aspartic acid 414 with tyrosine.
Molecular consequence: missense variant.
Genome position (GRCh38, 1-based): chr3:101,246,105, C>A on the plus strand (G>T on the coding strand, the complement: IMPG2 is on the minus strand). VCF-style: chr3-101246105-C-A. GRCh37 (hg19) VCF-style: chr3-100964949-C-A.
Other names: short protein forms D414Y.
Identifiers: ClinVar variation 1476212 (VCV001476212.6), dbSNP rs2107222433, ClinGen allele CA353863089.
Genomic context (GRCh38, chr3:101,246,105, plus strand): 5'-GTGGAATACTGCTGGTGATGGATTCATCTGCTGAGGGCCATGCAGCTTGAAAGGTATTAT[C>A]CTGGGGGGAAAAAAAGGCTAAATCATATCATAGATAAAAGAAACATATAAAAAGTGATTT-3'
Protein context (NP_057331.2, residues 404-424): SLQATPSSIL[Asp414Tyr]NTFQAAWPSA